The following is an entry in ClinVar:

NM_000179.3(MSH6):c.3173-101G>C

Gene: MSH6 (mutS homolog 6; plus strand). Cytogenetic location: 2p16.3.
Variant type: single nucleotide variant.
Coding change: c.3173-101G>C on transcript NM_000179.3 (MANE Select); 101 bases into the intron before coding-DNA position 3173, G replaced by C.
Molecular consequence: intron variant.
Genome position (GRCh38, 1-based): chr2:47,803,319, G>C. VCF-style: chr2-47803319-G-C. GRCh37 (hg19) VCF-style: chr2-48030458-G-C.
Other names: c.2267-101G>C (NM_001281493.2, NM_001281494.2); c.2783-101G>C (NM_001281492.2).
Identifiers: ClinVar variation 89345 (VCV000089345.15), dbSNP rs2072447, ClinGen allele CA011749.

ClinVar aggregate classification (germline): Benign. Review status: reviewed by expert panel (3 of 4 stars). 7 submissions from 7 submitters: Benign (1). 6 of the submissions do not count toward it. Last evaluated 2013-09-05.

Conditions:
Lynch syndrome. Identifiers: Orphanet 144, MedGen C4552100, MONDO:0005835. Disease mechanism: loss of function.

Allele frequency attached by ClinVar (database versions not stated): gnomAD 0.78396 and 0.78513; TOPMed 0.79552; 1000 Genomes Project 0.82248; 1000 Genomes Project 30x 0.82324.

Submissions (7):

International Society for Gastrointestinal Hereditary Tumours (InSiGHT)
Classification: Benign for Lynch Syndrome. Last evaluated: 2013-09-05. Review status: reviewed by expert panel. Criteria: Guidelines v1.9. Collection method: research. Allele origin: germline.
Comment: MAF >1%

Classified with v1.9 guidelines
ClinVar note: Converted during submission from no known pathogenicity to Benign.

Unidad de Genómica Garrahan, Hospital de Pediatría Garrahan
Classification: Benign. Last evaluated: 2024-01-24. Review status: criteria provided, single submitter. Criteria: ACMG Guidelines, 2015. Collection method: clinical testing. Allele origin: germline. Affected: no. Observed: 61 variant alleles. Not counted in ClinVar's aggregate classification.
Comment: This variant is classified as Benign based on local population frequency. This variant was detected in 64% of patients studied by a panel of primary immunodeficiencies. Number of patients: 61. Only high quality variants are reported.

GeneDx
Classification: Benign. Last evaluated: 2018-06-21. Review status: criteria provided, single submitter. Criteria: GeneDx Variant Classification Process June 2021. Collection method: clinical testing. Allele origin: germline. Affected: yes. Not counted in ClinVar's aggregate classification.

Breakthrough Genomics
Classification: Benign. Review status: criteria provided, single submitter. Criteria: ACMG Guidelines, 2015. Collection method: not provided. Allele origin: germline. Inheritance: Autosomal recessive inheritance. Affected: yes. Not counted in ClinVar's aggregate classification.

Clinical Genetics Laboratory, Department of Pathology, Netherlands Cancer Institute
Classification: Benign. Review status: no assertion criteria provided. Collection method: clinical testing. Allele origin: germline. Affected: yes. Study: VKGL Data-share Consensus. Not counted in ClinVar's aggregate classification.

Joint Genome Diagnostic Labs from Nijmegen and Maastricht, Radboudumc and MUMC+
Classification: Benign. Review status: no assertion criteria provided. Collection method: clinical testing. Allele origin: germline. Affected: yes. Study: VKGL Data-share Consensus. Not counted in ClinVar's aggregate classification.

Mayo Clinic Laboratories, Mayo Clinic
Classification: Benign. Review status: no assertion criteria provided. Collection method: research. Allele origin: unknown. Observed: 150 variant alleles, 90 homozygotes. Not counted in ClinVar's aggregate classification.